The following is an entry in ClinVar:

ClinVar aggregate classification (germline): Pathogenic/Likely pathogenic. Review status: criteria provided, multiple submitters, no conflicts (2 of 4 stars). 5 submissions from 5 submitters: Pathogenic (2); Likely pathogenic (3). Last evaluated 2025-08-22.

Conditions:
ABCA4-related disorder. Also called: ABCA4-related disorders; ABCA4-related condition. Identifiers: MedGen CN239167.
Retinal dystrophy. Also called: Inherited retinal dystrophy. Identifiers: Orphanet 71862, MedGen C0854723, MeSH D058499, MONDO:0019118, HP:0000556.
Severe early-childhood-onset retinal dystrophy (STGD1). Also called: STGD; Stargardt macular dystrophy; Juvenile onset macular degeneration; Stargardt disease 1; MACULAR DYSTROPHY WITH FLECKS, TYPE 1. Identifiers: Orphanet 364055, Orphanet 827, MedGen C1855465, MeSH D000080362, MONDO:0009549, OMIM 248200.

Allele frequency attached by ClinVar (database versions not stated): TOPMed below 0.00001; gnomAD exomes below 0.00001; ESP Exome Variant Server 0.00008.
gnomAD v4.1: 1 of 1,613,378 alleles (0.000062%); highest among the groups gnomAD compares: Non-Finnish European, 0.000085%; no homozygotes.

Submissions (5):

Labcorp Genetics (formerly Invitae), Labcorp
Classification: Pathogenic. Last evaluated: 2025-08-22. Review status: criteria provided, single submitter. Criteria: Invitae Variant Classification Sherloc (09022015). Collection method: clinical testing. Allele origin: germline.
Comment: This sequence change replaces glycine, which is neutral and non-polar, with arginine, which is basic and polar, at codon 1771 of the ABCA4 protein (p.Gly1771Arg). This variant is present in population databases (rs374015407, gnomAD 0.0009%). This missense change has been observed in individual(s) with Stargardt disease (PMID: 29925512, 33546218; internal data). ClinVar contains an entry for this variant (Variation ID: 1048172). An algorithm developed to predict the effect of missense changes on protein structure and function (PolyPhen-2) suggests that this variant is likely to be disruptive. For these reasons, this variant has been classified as Pathogenic.

PreventionGenetics, part of Exact Sciences
Classification: Likely pathogenic for ABCA4-related condition. Last evaluated: 2025-04-10. Review status: criteria provided, single submitter. Criteria: ACMG Guidelines, 2015. Collection method: clinical testing. Allele origin: germline.
Comment: The ABCA4 c.5311G>A variant is predicted to result in the amino acid substitution p.Gly1771Arg. This variant was reported, along with a second potential or known causative variant, in individuals with retinal disease (Weisschuh et al. 2016. PubMed ID: 26766544; supplementary data, Fujinami et al. 2018. PubMed ID: 29925512; supplementary data, Khan et al. 2020. PubMed ID: 32307445; supplementary data, Weisschuh et al. 2020. PubMed ID: 32531858; Fars et al. 2021. PubMed ID: 34807235; Maggi et al. 2021. PubMed ID: 33546218). This variant has also been described in large cohorts of individuals with retinal disease (supplementary data, Cornelis et al. 2022. PubMed ID: 35120629). This variant is reported in 0.00088% of alleles in individuals of European (Non-Finnish) descent in gnomAD. This variant is interpreted as likely pathogenic.

Blueprint Genetics
Classification: Pathogenic for ABCA4-related disorders. Last evaluated: 2024-09-26. Review status: criteria provided, single submitter. Criteria: ACMG Guidelines, 2015. Collection method: clinical testing. Allele origin: germline. Affected: yes. Observed: 5 variant alleles.

Institute of Medical Molecular Genetics, University of Zurich
Classification: Likely pathogenic for Severe early-childhood-onset retinal dystrophy. Last evaluated: 2021-01-30. Review status: criteria provided, single submitter. Criteria: ACMG Guidelines, 2015. Collection method: clinical testing. Allele origin: germline. Affected: yes.

Institute of Human Genetics, Univ. Regensburg, Univ. Regensburg
Classification: Likely pathogenic for Retinal dystrophy. Last evaluated: 2020-01-01. Review status: criteria provided, single submitter. Criteria: ACMG Guidelines, 2015. Collection method: clinical testing. Allele origin: germline. Affected: yes.

Literature cited by the submitters: PubMed 29925512 (cited by Labcorp Genetics (formerly Invitae), Labcorp and Institute of Human Genetics, Univ. Regensburg, Univ. Regensburg); PubMed 33546218 (cited by Labcorp Genetics (formerly Invitae), Labcorp); PubMed 26766544 (cited by Institute of Human Genetics, Univ. Regensburg, Univ. Regensburg); PubMed 31964843 (cited by Institute of Human Genetics, Univ. Regensburg, Univ. Regensburg); PubMed 32307445 (cited by Institute of Human Genetics, Univ. Regensburg, Univ. Regensburg); PubMed 32531858 (cited by Institute of Human Genetics, Univ. Regensburg, Univ. Regensburg).

NM_000350.3(ABCA4):c.5311G>A (p.Gly1771Arg)

Gene: ABCA4 (ATP binding cassette subfamily A member 4; minus strand). Cytogenetic location: 1p22.1.
Variant type: single nucleotide variant.
Coding change: c.5311G>A on transcript NM_000350.3 (MANE Select); coding-DNA position 5311, G replaced by A.
Protein change: p.Gly1771Arg; replaces glycine 1771 with arginine.
Molecular consequence: missense variant.
Genome position (GRCh38, 1-based): chr1:94,015,740, C>T on the plus strand (G>A on the coding strand, the complement: ABCA4 is on the minus strand). VCF-style: chr1-94015740-C-T. GRCh37 (hg19) VCF-style: chr1-94481296-C-T.
Other names: c.5089G>A, p.Gly1697Arg (NM_001425324.1); short protein forms G1771R, G1697R.
Identifiers: ClinVar variation 1048172 (VCV001048172.13), dbSNP rs374015407, ClinGen allele CA26842500.